The following is an entry in ClinVar:

ClinVar aggregate classification (germline): Likely benign. Review status: criteria provided, multiple submitters, no conflicts (2 of 4 stars). 3 submissions from 3 submitters: Likely benign (3). Last evaluated 2025-12-22.

Conditions:
Hereditary cancer-predisposing syndrome. Also called: Tumor predisposition; Hereditary neoplastic syndrome; Neoplastic Syndromes, Hereditary; Hereditary Cancer Syndrome. Identifiers: Orphanet 140162, MedGen C0027672, MeSH D009386, MONDO:0015356.
Hereditary breast ovarian cancer syndrome. Also called: Hereditary breast and ovarian cancer syndrome; Hereditary breast and ovarian cancer; Hereditary breast and/or ovarian cancer syndrome; Hereditary breast and ovarian cancer syndrome (HBOC); Breast and ovarian cancer; BRCA1- and BRCA2-Associated Hereditary Breast and Ovarian Cancer. Identifiers: Orphanet 145, MedGen C0677776, MeSH D061325, MONDO:0003582. Disease mechanism: loss of function.

Allele frequency attached by ClinVar (database versions not stated): gnomAD exomes below 0.00001.
gnomAD v4.1: 2 of 1,614,092 alleles (0.00012%); highest among the groups gnomAD compares: South Asian, 0.0011%; no homozygotes.

Submissions (3):

Labcorp Genetics (formerly Invitae), Labcorp
Classification: Likely benign for Hereditary breast ovarian cancer syndrome. Last evaluated: 2025-12-22. Review status: criteria provided, single submitter. Criteria: Invitae Variant Classification Sherloc (09022015). Collection method: clinical testing. Allele origin: germline.

CeGaT Center for Human Genetics Tuebingen
Classification: Likely benign. Last evaluated: 2022-12-01. Review status: criteria provided, single submitter. Criteria: CeGaT Center For Human Genetics Tuebingen Variant Classification Criteria Version 2. Collection method: clinical testing. Allele origin: germline. Affected: yes. Observed: 1 variant allele.
Comment: BRCA2: BP4, BP7

Ambry Genetics
Classification: Likely benign for Hereditary cancer-predisposing syndrome. Last evaluated: 2017-10-30. Review status: criteria provided, single submitter. Criteria: Ambry Variant Classification Scheme 2023. Collection method: clinical testing. Allele origin: germline.

NM_000059.4(BRCA2):c.9609C>T (p.Tyr3203=)

Gene: BRCA2 (BRCA2 DNA repair associated; plus strand). Cytogenetic location: 13q13.1.
Variant type: single nucleotide variant.
Coding change: c.9609C>T on transcript NM_000059.4 (MANE Select); coding-DNA position 9609, C replaced by T.
Protein change: p.Tyr3203=; no amino-acid change (tyrosine 3203 retained).
Molecular consequence: synonymous variant.
Genome position (GRCh38, 1-based): chr13:32,397,005, C>T. VCF-style: chr13-32397005-C-T. GRCh37 (hg19) VCF-style: chr13-32971142-C-T.
Identifiers: ClinVar variation 823365 (VCV000823365.31), dbSNP rs1160444335, ClinGen allele CA483271886.